The following is an entry in ClinVar:

NM_000071.3(CBS):c.1224-14C>T

Gene: CBS (cystathionine beta-synthase; minus strand). Cytogenetic location: 21q22.3.
Variant type: single nucleotide variant.
Coding change: c.1224-14C>T on transcript NM_000071.3 (MANE Select); 14 bases into the intron before coding-DNA position 1224, C replaced by T.
Molecular consequence: intron variant.
Genome position (GRCh38, 1-based): chr21:43,058,982, G>A on the plus strand (C>T on the coding strand, the complement: CBS is on the minus strand). VCF-style: chr21-43058982-G-A. GRCh37 (hg19) VCF-style: chr21-44479092-G-A.
Other names: c.1224-14C>T (NM_001320298.2, NM_001178009.3, NM_001178008.3); c.909-14C>T (NM_001321072.1).
Identifiers: ClinVar variation 512796 (VCV000512796.4), dbSNP rs756737169, ClinGen allele CA321688152.

ClinVar aggregate classification (germline): Likely benign. Review status: criteria provided, multiple submitters, no conflicts (2 of 4 stars). 2 submissions from 2 submitters: Likely benign (2). Last evaluated 2025-05-11.

Conditions:
HYPERHOMOCYSTEINEMIA, THROMBOTIC, CBS-RELATED. Identifiers: MedGen C3150344, OMIM 236200.

Allele frequency attached by ClinVar (database versions not stated): gnomAD 0.00003; gnomAD exomes 0.00003; ExAC 0.00009.

Submissions (2):

Labcorp Genetics (formerly Invitae), Labcorp
Classification: Likely benign for HYPERHOMOCYSTEINEMIA, THROMBOTIC, CBS-RELATED. Last evaluated: 2025-05-11. Review status: criteria provided, single submitter. Criteria: Invitae Variant Classification Sherloc (09022015). Collection method: clinical testing. Allele origin: germline.

GeneDx
Classification: Likely benign. Last evaluated: 2017-10-24. Review status: criteria provided, single submitter. Criteria: GeneDx Variant Classification (06012015). Collection method: clinical testing. Allele origin: germline. Affected: yes.
Comment: This variant is considered likely benign or benign based on one or more of the following criteria: it is a conservative change, it occurs at a poorly conserved position in the protein, it is predicted to be benign by multiple in silico algorithms, and/or has population frequency not consistent with disease.